The following is an entry in ClinVar:

ClinVar aggregate classification (germline): Likely benign. Review status: criteria provided, multiple submitters, no conflicts (2 of 4 stars). 2 submissions from 2 submitters: Likely benign (2). Last evaluated 2025-10-23.

Conditions:
Muscular dystrophy-dystroglycanopathy (congenital with brain and eye anomalies), type a, 8 (MDDGA8). Also called: WALKER-WARBURG SYNDROME OR MUSCLE-EYE-BRAIN DISEASE, GTDC2-RELATED. Identifiers: Orphanet 899, MedGen C3553813, MONDO:0013904, OMIM 614830.

Allele frequency attached by ClinVar (database versions not stated): gnomAD exomes 0.00001 and below 0.00001; TOPMed below 0.00001; gnomAD 0.00001.
gnomAD v4.1: 14 of 1,614,100 alleles (0.00087%); highest among the groups gnomAD compares: East Asian, 0.0045%; 1 homozygote.

Submissions (2):

Labcorp Genetics (formerly Invitae), Labcorp
Classification: Likely benign for Muscular dystrophy-dystroglycanopathy (congenital with brain and eye anomalies), type a, 8. Last evaluated: 2025-10-23. Review status: criteria provided, single submitter. Criteria: Invitae Variant Classification Sherloc (09022015). Collection method: clinical testing. Allele origin: germline.

CeGaT Center for Human Genetics Tuebingen
Classification: Likely benign. Last evaluated: 2024-02-01. Review status: criteria provided, single submitter. Criteria: CeGaT Center For Human Genetics Tuebingen Variant Classification Criteria Version 2. Collection method: clinical testing. Allele origin: germline. Affected: yes. Observed: 1 variant allele.
Comment: POMGNT2: BP4, BP7

NM_032806.6(POMGNT2):c.351C>T (p.Leu117=)

Gene: POMGNT2 (protein O-linked mannose N-acetylglucosaminyltransferase 2 (beta 1,4-); minus strand). Cytogenetic location: 3p22.1.
Variant type: single nucleotide variant.
Coding change: c.351C>T on transcript NM_032806.6 (MANE Select); coding-DNA position 351, C replaced by T.
Protein change: p.Leu117=; no amino-acid change (leucine 117 retained).
Molecular consequence: synonymous variant.
Genome position (GRCh38, 1-based): chr3:43,081,081, G>A on the plus strand (C>T on the coding strand, the complement: POMGNT2 is on the minus strand). VCF-style: chr3-43081081-G-A. GRCh37 (hg19) VCF-style: chr3-43122573-G-A.
Identifiers: ClinVar variation 1097329 (VCV001097329.29), dbSNP rs1161648391, ClinGen allele CA433354722.